The following is an entry in ClinVar:

NM_001286577.2(C2CD3):c.2689G>A (p.Gly897Arg)

Gene: C2CD3 (C2 domain containing 3 centriole elongation regulator; minus strand). Cytogenetic location: 11q13.4.
Variant type: single nucleotide variant.
Coding change: c.2689G>A on transcript NM_001286577.2 (MANE Select); coding-DNA position 2689, G replaced by A.
Protein change: p.Gly897Arg; replaces glycine 897 with arginine.
Molecular consequence: missense variant.
Genome position (GRCh38, 1-based): chr11:74,100,568, C>T on the plus strand (G>A on the coding strand, the complement: C2CD3 is on the minus strand). VCF-style: chr11-74100568-C-T. GRCh37 (hg19) VCF-style: chr11-73811613-C-T.
Other names: c.2689G>A, p.Gly897Arg (NM_015531.6); short protein forms G897R.
Identifiers: ClinVar variation 1400100 (VCV001400100.8), dbSNP rs771221676, ClinGen allele CA6182591.

ClinVar aggregate classification (germline): Uncertain significance (1 of 4 stars; one submission).

Allele frequency attached by ClinVar (database versions not stated): gnomAD 0.00001.
gnomAD v4.1: 5 of 1,613,740 alleles (0.00031%); highest among the groups gnomAD compares: Non-Finnish European, 0.00034%; no homozygotes.

Submission:

Labcorp Genetics (formerly Invitae), Labcorp
Classification: Uncertain significance. Last evaluated: 2021-07-13. Review status: criteria provided, single submitter. Criteria: Invitae Variant Classification Sherloc (09022015). Collection method: clinical testing. Allele origin: germline.
Comment: This variant has not been reported in the literature in individuals affected with C2CD3-related conditions. This variant is present in population databases (rs771221676, ExAC 0.01%). This sequence change replaces glycine with arginine at codon 897 of the C2CD3 protein (p.Gly897Arg). The glycine residue is highly conserved and there is a moderate physicochemical difference between glycine and arginine. In summary, the available evidence is currently insufficient to determine the role of this variant in disease. Therefore, it has been classified as a Variant of Uncertain Significance. Algorithms developed to predict the effect of missense changes on protein structure and function (SIFT, PolyPhen-2, Align-GVGD) all suggest that this variant is likely to be disruptive.